The following is an entry in ClinVar:

ClinVar aggregate classification (germline): Likely benign (1 of 4 stars; one submission).

Submission:

CeGaT Center for Human Genetics Tuebingen
Classification: Likely benign. Last evaluated: 2026-09-01. Review status: criteria provided, single submitter. Criteria: CeGaT Center For Human Genetics Tuebingen Variant Classification Criteria Version 2. Collection method: clinical testing. Allele origin: germline. Affected: yes. Observed: 1 variant allele.
Comment: NHLRC1: BP4, BP7

NM_198586.3(NHLRC1):c.756G>T (p.Arg252=)

Gene: NHLRC1 (NHL repeat containing E3 ubiquitin protein ligase 1; minus strand). Cytogenetic location: 6p22.3.
Variant type: single nucleotide variant.
Coding change: c.756G>T on transcript NM_198586.3 (MANE Select); coding-DNA position 756, G replaced by T.
Protein change: p.Arg252=; no amino-acid change (arginine 252 retained).
Molecular consequence: synonymous variant.
Genome position (GRCh38, 1-based): chr6:18,121,851, C>A on the plus strand (G>T on the coding strand, the complement: NHLRC1 is on the minus strand). VCF-style: chr6-18121851-C-A. GRCh37 (hg19) VCF-style: chr6-18122082-C-A.
Identifiers: ClinVar variation 5040936 (VCV005040936.1).